The following is an entry in ClinVar:

NM_018294.6(CWF19L1):c.1045T>G (p.Cys349Gly)

Gene: CWF19L1 (CWF19 like cell cycle control factor 1; minus strand). Cytogenetic location: 10q24.31.
Variant type: single nucleotide variant.
Coding change: c.1045T>G on transcript NM_018294.6 (MANE Select); coding-DNA position 1045, T replaced by G.
Protein change: p.Cys349Gly; replaces cysteine 349 with glycine.
Molecular consequence: missense variant.
Genome position (GRCh38, 1-based): chr10:100,238,231, A>C on the plus strand (T>G on the coding strand, the complement: CWF19L1 is on the minus strand). VCF-style: chr10-100238231-A-C. GRCh37 (hg19) VCF-style: chr10-101997988-A-C.
Other names: c.1045T>G, p.Cys349Gly (NM_001303404.2); c.634T>G, p.Cys212Gly (NM_001303405.2, NM_001303406.2); c.310T>G, p.Cys104Gly (NM_001303407.2); short protein forms C104G, C212G, C349G.
Identifiers: ClinVar variation 981166 (VCV000981166.1), dbSNP rs1846515941, ClinGen allele CA378162424.
Genomic context (GRCh38, chr10:100,238,231, plus strand): 5'-CAATAGGCAGGATGAGGACATGGTCATCAGATAAGCCTCCTTTGGCCAGGGCAAGGTAGC[A>C]CTGAAGAAGCAGCACACAGAATTGAGACATCAATACAGCATGTAGGATTCTCCAGGGAGA-3'
Protein context (NP_060764.3, residues 339-359): KHLVVNIGTH[Cys349Gly]YLALAKGGLS

ClinVar aggregate classification (germline): Uncertain significance (1 of 4 stars; one submission).

Conditions:
Autosomal recessive spinocerebellar ataxia 17. Identifiers: Orphanet 453521, MedGen C4015301, MONDO:0014503, OMIM 616127.

Submission:

Rady Children's Institute for Genomic Medicine, Rady Children's Hospital San Diego
Classification: Uncertain significance for Autosomal recessive spinocerebellar ataxia 17. Last evaluated: 2020-01-27. Review status: criteria provided, single submitter. Criteria: ACMG Guidelines, 2015. Collection method: clinical testing. Allele origin: germline. Affected: yes.
Comment: This variant has not been previously reported or functionally characterized in the literature to our knowledge. It is absent from the ExAC and gnomAD population databases and thus is presumed to be rare. The c.1045T>G (p.Cys349Gly) variant affects a highly conserved amino acid and is predicted by multiple in silico tools to have a deleterious effect on protein function. Based on the available evidence, the c.1045T>G (p.Cys349Gly) variant is classified as a Variant of Uncertain Significance.